The following is an entry in ClinVar:

NM_015041.3(CLUAP1):c.5C>G (p.Ser2Cys)

Genes: CLUAP1 (clusterin associated protein 1; plus strand), LOC130058340 (ATAC-STARR-seq lymphoblastoid active region 10324; plus strand). Cytogenetic location: 16p13.3.
Variant type: single nucleotide variant.
Coding change: c.5C>G on transcript NM_015041.3 (MANE Select); coding-DNA position 5, C replaced by G.
Protein change: p.Ser2Cys; replaces serine 2 with cysteine.
Molecular consequence: missense variant.
Genome position (GRCh38, 1-based): chr16:3,501,072, C>G. VCF-style: chr16-3501072-C-G. GRCh37 (hg19) VCF-style: chr16-3551072-C-G.
Other names: c.5C>G, p.Ser2Cys (NM_001330454.2); short protein forms S2C.
Identifiers: ClinVar variation 1063460 (VCV001063460.9), dbSNP rs1213203575, ClinGen allele CA394510462.
Genomic context (GRCh38, chr16:3,501,072, plus strand): 5'-TGTGATCGCTGAGGGGCGAGCAGTTGCGACCCTGGGCTCCTGGGGACCTGAGCGTTATGT[C>G]TTTCCGCGACCTCCGCAGTAAGGCAGCCCCGCGCCCCTGTGACCTGCGGGTCTTCCAGAG-3'
Protein context (NP_055856.1, residues 1-12): M[Ser2Cys]FRDLRNFTEM

ClinVar aggregate classification (germline): Uncertain significance (1 of 4 stars; one submission).

Submission:

Labcorp Genetics (formerly Invitae), Labcorp
Classification: Uncertain significance. Last evaluated: 2023-08-17. Review status: criteria provided, single submitter. Criteria: Invitae Variant Classification Sherloc (09022015). Collection method: clinical testing. Allele origin: germline.
Comment: This sequence change replaces serine, which is neutral and polar, with cysteine, which is neutral and slightly polar, at codon 2 of the CLUAP1 protein (p.Ser2Cys). This variant is not present in population databases (gnomAD no frequency). In summary, the available evidence is currently insufficient to determine the role of this variant in disease. Therefore, it has been classified as a Variant of Uncertain Significance. Advanced modeling of protein sequence and biophysical properties (such as structural, functional, and spatial information, amino acid conservation, physicochemical variation, residue mobility, and thermodynamic stability) performed at Invitae indicates that this missense variant is expected to disrupt CLUAP1 protein function. ClinVar contains an entry for this variant (Variation ID: 1063460). This variant has not been reported in the literature in individuals affected with CLUAP1-related conditions.